The following is an entry in ClinVar:

NM_014874.4(MFN2):c.341A>G (p.Asn114Ser)

Gene: MFN2 (mitofusin 2; plus strand). Cytogenetic location: 1p36.22.
Variant type: single nucleotide variant.
Coding change: c.341A>G on transcript NM_014874.4 (MANE Select); coding-DNA position 341, A replaced by G.
Protein change: p.Asn114Ser; replaces asparagine 114 with serine.
Molecular consequence: missense variant.
Genome position (GRCh38, 1-based): chr1:11,996,185, A>G. VCF-style: chr1-11996185-A-G. GRCh37 (hg19) VCF-style: chr1-12056242-A-G.
Other names: c.341A>G, p.Asn114Ser (NM_001127660.2); short protein forms N114S.
Identifiers: ClinVar variation 2919210 (VCV002919210.1), dbSNP rs2523010562, ClinGen allele CA338434075.

ClinVar aggregate classification (germline): Uncertain significance (1 of 4 stars; one submission).

Conditions:
Charcot-Marie-Tooth disease type 2. Also called: Charcot-Marie-Tooth type 2. Identifiers: Orphanet 64746, MedGen C0270914, MONDO:0018993.

Allele frequency attached by ClinVar (database versions not stated): gnomAD exomes below 0.00001.
gnomAD v4.1: 1 of 1,614,206 alleles (0.000062%); highest among the groups gnomAD compares: Non-Finnish European, 0.000085%; no homozygotes.

Submission:

Labcorp Genetics (formerly Invitae), Labcorp
Classification: Uncertain significance for Charcot-Marie-Tooth disease type 2. Last evaluated: 2022-10-19. Review status: criteria provided, single submitter. Criteria: Invitae Variant Classification Sherloc (09022015). Collection method: clinical testing. Allele origin: germline.
Comment: In summary, the available evidence is currently insufficient to determine the role of this variant in disease. Therefore, it has been classified as a Variant of Uncertain Significance. Advanced modeling of protein sequence and biophysical properties (such as structural, functional, and spatial information, amino acid conservation, physicochemical variation, residue mobility, and thermodynamic stability) performed at Invitae indicates that this missense variant is expected to disrupt MFN2 protein function. This variant has not been reported in the literature in individuals affected with MFN2-related conditions. This variant is not present in population databases (gnomAD no frequency). This sequence change replaces asparagine, which is neutral and polar, with serine, which is neutral and polar, at codon 114 of the MFN2 protein (p.Asn114Ser).